The following is an entry in ClinVar:

ClinVar aggregate classification (germline): Likely benign. Review status: criteria provided, multiple submitters, no conflicts (2 of 4 stars). 5 submissions from 5 submitters: Likely benign (4). 1 of the submissions does not count toward it. Last evaluated 2025-11-27.

Conditions:
SYN1-related disorder. Also called: SYN1-related condition; SYN1-Related Disorders.
Epilepsy, X-linked 1, with variable learning disabilities and behavior disorders. Also called: X-linked epilepsy-learning disabilities-behavior disorders syndrome. Identifiers: Orphanet 85294, MedGen C5774177, MONDO:0010339, OMIM 300491.
Inborn genetic diseases. Identifiers: MedGen C0950123, MeSH D030342.

Allele frequency attached by ClinVar (database versions not stated): ExAC 0.00022; gnomAD exomes 0.00022; gnomAD 0.00045 and 0.00046; TOPMed 0.00012.
gnomAD v4.1: 300 of 1,102,205 alleles (0.027%); highest among the groups gnomAD compares: Non-Finnish European, 0.024%; 1 homozygote.

Submissions (5):

Labcorp Genetics (formerly Invitae), Labcorp
Classification: Likely benign for Epilepsy, X-linked 1, with variable learning disabilities and behavior disorders. Last evaluated: 2025-11-27. Review status: criteria provided, single submitter. Criteria: Invitae Variant Classification Sherloc (09022015). Collection method: clinical testing. Allele origin: germline.

Blueprint Genetics
Classification: Likely benign. Last evaluated: 2024-10-22. Review status: criteria provided, single submitter. Criteria: ACMG Guidelines, 2015. Collection method: clinical testing. Allele origin: germline.

CeGaT Center for Human Genetics Tuebingen
Classification: Likely benign. Last evaluated: 2023-05-01. Review status: criteria provided, single submitter. Criteria: CeGaT Center For Human Genetics Tuebingen Variant Classification Criteria Version 2. Collection method: clinical testing. Allele origin: germline. Affected: yes. Observed: 3 variant alleles.
Comment: SYN1: BP4, BP7, BS2

Ambry Genetics
Classification: Likely benign for Inborn genetic diseases. Last evaluated: 2018-07-13. Review status: criteria provided, single submitter. Criteria: Ambry Variant Classification Scheme 2023. Collection method: clinical testing. Allele origin: germline.

PreventionGenetics, part of Exact Sciences
Classification: Likely benign for SYN1-related condition. Last evaluated: 2019-07-29. Review status: no assertion criteria provided. Collection method: clinical testing. Allele origin: germline. Not counted in ClinVar's aggregate classification.
Comment: This variant is classified as likely benign based on ACMG/AMP sequence variant interpretation guidelines (Richards et al. 2015 PMID: 25741868, with internal and published modifications).

NM_006950.3(SYN1):c.1701A>T (p.Thr567=)

Gene: SYN1 (synapsin I; minus strand). Cytogenetic location: Xp11.3.
Variant type: single nucleotide variant.
Coding change: c.1701A>T on transcript NM_006950.3 (MANE Select); coding-DNA position 1701, A replaced by T.
Protein change: p.Thr567=; no amino-acid change (threonine 567 retained).
Molecular consequence: synonymous variant.
Genome position (GRCh38, 1-based): chrX:47,574,283, T>A on the plus strand (A>T on the coding strand, the complement: SYN1 is on the minus strand). VCF-style: chrX-47574283-T-A. GRCh37 (hg19) VCF-style: chrX-47433682-T-A.
Other names: c.1701A>T, p.Thr567= (NM_133499.2).
Identifiers: ClinVar variation 465092 (VCV000465092.50), dbSNP rs770195822, ClinGen allele CA10398347.